The following is an entry in ClinVar:

ClinVar aggregate classification (germline): Pathogenic (1 of 4 stars; one submission).

Conditions:
Fabry disease. Also called: ALPHA-GALACTOSIDASE A DEFICIENCY; ANDERSON-FABRY DISEASE; CERAMIDE TRIHEXOSIDASE DEFICIENCY; GLA DEFICIENCY; HEREDITARY DYSTOPIC LIPIDOSIS; Angiokeratoma corporis diffusum. Identifiers: Orphanet 324, MedGen C0002986, MONDO:0010526, OMIM 301500, HP:0001071. Disease mechanism: Fabry disease is due to inactivating mutations in the X-linked GLA gene resulting in deficiency of the enzyme Alpha Galactosidase-A., loss of function.

Submission:

Genomenon, Inc
Classification: Pathogenic for Fabry disease. Last evaluated: 2026-09-08. Review status: criteria provided, single submitter. Criteria: Genomenon Sequence Variant Interpretation Standards - Updated. Collection method: curation. Allele origin: germline. Affected: yes.
Comment: GLA p.Trp226Arg (c.676T>C) is a missense variant that changes the amino acid at codon 226 from Tryptophan to Arginine. This variant has been observed in at least one proband with clinical features consistent with Fabry disease (PMID:10916280;32843101). At least one functional study has demonstrated a substantial alteration in protein function relative to the wild-type (PMID:21598360;27657681). This variant is located in a mutational hotspot and/or important functional domain. It is absent or not present at a significant frequency in gnomAD. In silico models predict that this variant is possibly or probably damaging. In conclusion, we classify GLA p.Trp226Arg (c.676T>C) as a pathogenic variant.

Literature cited by the submitters: PubMed 10916280; PubMed 32843101; PubMed 21598360; PubMed 27657681.

NM_000169.3(GLA):c.676T>C (p.Trp226Arg)

Genes: GLA (galactosidase alpha; minus strand), RPL36A-HNRNPH2 (RPL36A-HNRNPH2 readthrough; plus strand). Cytogenetic location: Xq22.1.
Variant type: single nucleotide variant.
Coding change: c.676T>C on transcript NM_000169.3 (MANE Select); coding-DNA position 676, T replaced by C.
Protein change: p.Trp226Arg; replaces tryptophan 226 with arginine.
Molecular consequence: missense variant. On other transcripts: non-coding transcript variant (3), intron variant (2).
Genome position (GRCh38, 1-based): chrX:101,398,910, A>G on the plus strand (T>C on the coding strand, the complement: GLA is on the minus strand). VCF-style: chrX-101398910-A-G. GRCh37 (hg19) VCF-style: chrX-100653898-A-G.
Other names: c.799T>C, p.Trp267Arg (NM_001406747.1); c.676T>C, p.Trp226Arg (NM_001406748.1); c.300+3453A>G (NM_001199973.2); c.177+7088A>G (NM_001199974.2); short protein forms W226R, W267R.
Identifiers: ClinVar variation 4087466 (VCV004087466.2).